The following is an entry in ClinVar:

NM_001040142.2(SCN2A):c.3721A>G (p.Met1241Val)

Gene: SCN2A (sodium voltage-gated channel alpha subunit 2; plus strand). Cytogenetic location: 2q24.3.
Variant type: single nucleotide variant.
Coding change: c.3721A>G on transcript NM_001040142.2 (MANE Select); coding-DNA position 3721, A replaced by G.
Protein change: p.Met1241Val; replaces methionine 1241 with valine.
Molecular consequence: missense variant.
Genome position (GRCh38, 1-based): chr2:165,370,171, A>G. VCF-style: chr2-165370171-A-G. GRCh37 (hg19) VCF-style: chr2-166226681-A-G.
Other names: c.3721A>G, p.Met1241Val (NM_001040143.2, NM_001371246.1, NM_001371247.1 and 1 more transcripts); short protein forms M1241V.
Identifiers: ClinVar variation 963505 (VCV000963505.13), dbSNP rs1334797843, ClinGen allele CA349027725.

ClinVar aggregate classification (germline): Uncertain significance. Review status: criteria provided, multiple submitters, no conflicts (2 of 4 stars). 2 submissions from 2 submitters: Uncertain significance (2). Last evaluated 2025-11-23.

Conditions:
Seizures, benign familial infantile, 3 (BFIS3). Also called: CONVULSIONS, BENIGN FAMILIAL INFANTILE, 3; Familial neonatal seizures. Identifiers: Orphanet 140927, Orphanet 306, MedGen C1843140, MONDO:0011904, OMIM 607745.
Developmental and epileptic encephalopathy, 11 (DEE11). Also called: Early infantile epileptic encephalopathy 11. Identifiers: Orphanet 1934, MedGen C3150987, MONDO:0013388, OMIM 613721.

Allele frequency attached by ClinVar (database versions not stated): gnomAD exomes below 0.00001; gnomAD 0.00001; TOPMed 0.00001.

Submissions (2):

Labcorp Genetics (formerly Invitae), Labcorp
Classification: Uncertain significance for Seizures, benign familial infantile, 3; Developmental and epileptic encephalopathy, 11. Last evaluated: 2025-11-23. Review status: criteria provided, single submitter. Criteria: Invitae Variant Classification Sherloc (09022015). Collection method: clinical testing. Allele origin: germline.
Comment: This sequence change replaces methionine, which is neutral and non-polar, with valine, which is neutral and non-polar, at codon 1241 of the SCN2A protein (p.Met1241Val). This variant is not present in population databases (gnomAD no frequency). This variant has not been reported in the literature in individuals affected with SCN2A-related conditions. ClinVar contains an entry for this variant (Variation ID: 963505). Invitae Evidence Modeling of protein sequence and biophysical properties (such as structural, functional, and spatial information, amino acid conservation, physicochemical variation, residue mobility, and thermodynamic stability) indicates that this missense variant is not expected to disrupt SCN2A protein function with a negative predictive value of 95%. In summary, the available evidence is currently insufficient to determine the role of this variant in disease. Therefore, it has been classified as a Variant of Uncertain Significance.

GeneDx
Classification: Uncertain significance. Last evaluated: 2023-05-12. Review status: criteria provided, single submitter. Criteria: GeneDx Variant Classification Process June 2021. Collection method: clinical testing. Allele origin: germline. Affected: yes.
Comment: Observed in an individual with epileptic encephalopathy (Mena et al., 2020); Not observed at significant frequency in large population cohorts (gnomAD); Missense variants in this gene are often considered pathogenic (HGMD); In silico analysis supports that this missense variant does not alter protein structure/function; This substitution is predicted to be within the transmembrane segment S2 of the third homologous domain; This variant is associated with the following publications: (PMID: 33219631)